The following is an entry in ClinVar:

ClinVar aggregate classification (germline): Conflicting classifications of pathogenicity. Review status: criteria provided, conflicting classifications (1 of 4 stars). 3 submissions from 3 submitters: Uncertain significance (2); Likely benign (1). Last evaluated 2025-12-16.

Conditions:
Ullrich congenital muscular dystrophy 2 (UCMD2). Identifiers: Orphanet 75840, MedGen C4225314, MONDO:0014654, OMIM 616470.
Bethlem myopathy 2 (BTHLM2). Identifiers: Orphanet 536516, Orphanet 610, MedGen C4225313, MONDO:0034022, OMIM 616471.

Allele frequency attached by ClinVar (database versions not stated): TOPMed 0.00003; ExAC 0.00004; gnomAD exomes 0.00005; 1000 Genomes Project 30x 0.00016; 1000 Genomes Project 0.00020.
gnomAD v4.1: 63 of 1,613,960 alleles (0.0039%); highest among the groups gnomAD compares: Admixed American, 0.018%; no homozygotes.

Submissions (3):

Labcorp Genetics (formerly Invitae), Labcorp
Classification: Likely benign for Bethlem myopathy 2; Ullrich congenital muscular dystrophy 2. Last evaluated: 2025-12-16. Review status: criteria provided, single submitter. Criteria: Invitae Variant Classification Sherloc (09022015). Collection method: clinical testing. Allele origin: germline.

GeneDx
Classification: Uncertain significance. Last evaluated: 2023-11-21. Review status: criteria provided, single submitter. Criteria: GeneDx Variant Classification Process June 2021. Collection method: clinical testing. Allele origin: germline. Affected: yes.
Comment: Has not been previously published as pathogenic or benign to our knowledge; In silico analysis supports that this missense variant does not alter protein structure/function

Revvity Omics, Revvity
Classification: Uncertain significance. Last evaluated: 2023-04-07. Review status: criteria provided, single submitter. Criteria: ACMG Guidelines, 2015. Collection method: clinical testing. Allele origin: germline.

NM_004370.6(COL12A1):c.3091C>T (p.Arg1031Cys)

Gene: COL12A1 (collagen type XII alpha 1 chain; minus strand). Cytogenetic location: 6q13.
Variant type: single nucleotide variant.
Coding change: c.3091C>T on transcript NM_004370.6 (MANE Select); coding-DNA position 3091, C replaced by T.
Protein change: p.Arg1031Cys; replaces arginine 1031 with cysteine.
Molecular consequence: missense variant. On other transcripts: intron variant (1).
Genome position (GRCh38, 1-based): chr6:75,156,416, G>A on the plus strand (C>T on the coding strand, the complement: COL12A1 is on the minus strand). VCF-style: chr6-75156416-G-A. GRCh37 (hg19) VCF-style: chr6-75866132-G-A.
Other names: c.74-3934C>T (NM_080645.3); short protein forms R1031C.
Identifiers: ClinVar variation 937960 (VCV000937960.11), dbSNP rs575168916, ClinGen allele CA3893804.